The following is an entry in ClinVar:

NM_152305.3(POGLUT1):c.270G>C (p.Gln90His)

Gene: POGLUT1 (protein O-glucosyltransferase 1; plus strand). Cytogenetic location: 3q13.33.
Variant type: single nucleotide variant.
Coding change: c.270G>C on transcript NM_152305.3 (MANE Select); coding-DNA position 270, G replaced by C.
Protein change: p.Gln90His; replaces glutamine 90 with histidine.
Molecular consequence: missense variant. On other transcripts: non-coding transcript variant (1).
Genome position (GRCh38, 1-based): chr3:119,471,402, G>C. VCF-style: chr3-119471402-G-C. GRCh37 (hg19) VCF-style: chr3-119190249-G-C.
Other names: c.270G>C (NM_152305.2); c.270G>C, p.Gln90His (NM_020231.3); short protein forms Q90H.
Identifiers: ClinVar variation 2193702 (VCV002193702.5), dbSNP rs763068507, ClinGen allele CA2554790.

ClinVar aggregate classification (germline): Uncertain significance. Review status: criteria provided, multiple submitters, no conflicts (2 of 4 stars). 2 submissions from 2 submitters: Uncertain significance (2). Last evaluated 2024-12-02.

Conditions:
Inborn genetic diseases. Identifiers: MedGen C0950123, MeSH D030342.

Allele frequency attached by ClinVar (database versions not stated): TOPMed below 0.00001; gnomAD 0.00001; gnomAD exomes 0.00002; ExAC 0.00004.
gnomAD v4.1: 37 of 1,613,970 alleles (0.0023%); highest among the groups gnomAD compares: Admixed American, 0.032%; no homozygotes.

Submissions (2):

Labcorp Genetics (formerly Invitae), Labcorp
Classification: Uncertain significance. Last evaluated: 2024-12-02. Review status: criteria provided, single submitter. Criteria: Invitae Variant Classification Sherloc (09022015). Collection method: clinical testing. Allele origin: germline.
Comment: This sequence change replaces glutamine, which is neutral and polar, with histidine, which is basic and polar, at codon 90 of the POGLUT1 protein (p.Gln90His). This variant is present in population databases (rs763068507, gnomAD 0.04%). This variant has not been reported in the literature in individuals affected with POGLUT1-related conditions. ClinVar contains an entry for this variant (Variation ID: 2193702). Invitae Evidence Modeling of protein sequence and biophysical properties (such as structural, functional, and spatial information, amino acid conservation, physicochemical variation, residue mobility, and thermodynamic stability) indicates that this missense variant is expected to disrupt POGLUT1 protein function with a positive predictive value of 80%. In summary, the available evidence is currently insufficient to determine the role of this variant in disease. Therefore, it has been classified as a Variant of Uncertain Significance.

Ambry Genetics
Classification: Uncertain significance for Inborn genetic diseases. Last evaluated: 2024-11-14. Review status: criteria provided, single submitter. Criteria: Ambry Variant Classification Scheme 2023. Collection method: clinical testing. Allele origin: germline.